The following is an entry in ClinVar:

ClinVar aggregate classification (germline): Uncertain significance (1 of 4 stars; one submission).

Conditions:
Autosomal recessive limb-girdle muscular dystrophy. Identifiers: Orphanet 102015, MedGen C2931907, MONDO:0015152.

gnomAD v4.1: 1 of 1,614,088 alleles (0.000062%); highest among the groups gnomAD compares: Non-Finnish European, 0.000085%; no homozygotes.

Submission:

Myriad Genetics, Inc.
Classification: Uncertain significance for Autosomal recessive limb-girdle muscular dystrophy. Last evaluated: 2026-02-05. Review status: criteria provided, single submitter. Criteria: Myriad Autosomal Dominant, Autosomal Recessive and X-Linked Classification Criteria (2023). Collection method: clinical testing. Allele origin: unknown.
Comment: NM_003494.3(DYSF):c.342+5G>A is an intronic variant classified as a variant of uncertain significance in the context of dysferlinopathy. c.342+5G>A has been observed in a case with relevant disease (PMID: 33927379). Relevant functional assessments of this variant are not available in the literature. c.342+5G>A has not been observed in referenced population frequency databases. In summary, there is insufficient evidence to classify NM_003494.3(DYSF):c.342+5G>A as pathogenic or benign. Please note: this variant was assessed in the context of healthy population screening.

Literature cited by the submitters: PubMed 33927379.

NM_001130987.2(DYSF):c.345+5G>A

Gene: DYSF (dysferlin; plus strand). Cytogenetic location: 2p13.2.
Variant type: single nucleotide variant.
Coding change: c.345+5G>A on transcript NM_001130987.2 (MANE Select); 5 bases into the intron after coding-DNA position 345, G replaced by A.
Molecular consequence: intron variant.
Genome position (GRCh38, 1-based): chr2:71,503,324, G>A. VCF-style: chr2-71503324-G-A. GRCh37 (hg19) VCF-style: chr2-71730454-G-A.
Other names: c.342+5G>A (NM_001130979.2, NM_001130981.2, NM_001130980.2 and 4 more transcripts); c.345+5G>A (NM_001130982.2, NM_001130985.2, NM_001130983.2 and 3 more transcripts).
Identifiers: ClinVar variation 5003823 (VCV005003823.1).
Genomic context (GRCh38, chr2:71,503,324, plus strand): 5'-GTCTGTCCGCCAGCTTCAATGCCCCCCTGCTGGACACCAAGAAGCAGCCCACAGGGGTAA[G>A]TGCCCATCAGCCTCTGCCAGGTTAAGGTCCAAGGCATTGCCAGGTGGCTTCCTCTTTGGG-3'